The following is an entry in ClinVar:

ClinVar aggregate classification (germline): Uncertain significance (1 of 4 stars; one submission).

Conditions:
Baller-Gerold syndrome (BGS). Also called: CRANIOSYNOSTOSIS WITH RADIAL DEFECTS. Identifiers: Orphanet 1225, MedGen C0265308, MONDO:0009039, OMIM 218600.

Allele frequency attached by ClinVar (database versions not stated): TOPMed below 0.00001; gnomAD 0.00001.
gnomAD v4.1: 2 of 1,609,306 alleles (0.00012%); highest among the groups gnomAD compares: African/African-American, 0.0013%; no homozygotes.

Submission:

Labcorp Genetics (formerly Invitae), Labcorp
Classification: Uncertain significance for Baller-Gerold syndrome. Last evaluated: 2023-10-24. Review status: criteria provided, single submitter. Criteria: Invitae Variant Classification Sherloc (09022015). Collection method: clinical testing. Allele origin: germline.
Comment: This sequence change replaces valine, which is neutral and non-polar, with glycine, which is neutral and non-polar, at codon 585 of the RECQL4 protein (p.Val585Gly). This variant is not present in population databases (gnomAD no frequency). This variant has not been reported in the literature in individuals affected with RECQL4-related conditions. ClinVar contains an entry for this variant (Variation ID: 1041547). Advanced modeling of protein sequence and biophysical properties (such as structural, functional, and spatial information, amino acid conservation, physicochemical variation, residue mobility, and thermodynamic stability) has been performed at Invitae for this missense variant, however the output from this modeling did not meet the statistical confidence thresholds required to predict the impact of this variant on RECQL4 protein function. Algorithms developed to predict the effect of sequence changes on RNA splicing suggest that this variant may disrupt the consensus splice site. In summary, the available evidence is currently insufficient to determine the role of this variant in disease. Therefore, it has been classified as a Variant of Uncertain Significance.

NM_004260.4(RECQL4):c.1754T>G (p.Val585Gly)

Gene: RECQL4 (RecQ like helicase 4; minus strand). Cytogenetic location: 8q24.3.
Variant type: single nucleotide variant.
Coding change: c.1754T>G on transcript NM_004260.4 (MANE Select); coding-DNA position 1754, T replaced by G.
Protein change: p.Val585Gly; replaces valine 585 with glycine.
Molecular consequence: missense variant.
Genome position (GRCh38, 1-based): chr8:144,514,313, A>C on the plus strand (T>G on the coding strand, the complement: RECQL4 is on the minus strand). VCF-style: chr8-144514313-A-C. GRCh37 (hg19) VCF-style: chr8-145739697-A-C.
Other names: short protein forms V585G.
Identifiers: ClinVar variation 1041547 (VCV001041547.5), dbSNP rs927576418, ClinGen allele CA187685213.